The following is an entry in ClinVar:

ClinVar aggregate classification (germline): Likely benign. Review status: criteria provided, multiple submitters, no conflicts (2 of 4 stars). 2 submissions from 2 submitters: Likely benign (2). Last evaluated 2025-05-20.

Conditions:
Cholestanol storage disease (CTX). Also called: Cerebrotendinous Xanthomatosis; CTX: Cerebrotendinous xanthomatosis; CEREBRAL CHOLESTERINOSIS. Identifiers: Orphanet 909, MedGen C0238052, MONDO:0008948, OMIM 213700.
CYP27A1-related disorder. Also called: CYP27A1-related condition.

Allele frequency attached by ClinVar (database versions not stated): gnomAD 0.00001; TOPMed 0.00001.
gnomAD v4.1: 1 of 1,611,324 alleles (0.000062%); highest among the groups gnomAD compares: African/African-American, 0.0013%; no homozygotes.

Submissions (2):

PreventionGenetics, part of Exact Sciences
Classification: Likely benign for CYP27A1-related condition. Last evaluated: 2025-05-20. Review status: criteria provided, single submitter. Criteria: ACMG Guidelines, 2015. Collection method: clinical testing. Allele origin: germline.
Comment: This variant is classified as likely benign based on ACMG/AMP sequence variant interpretation guidelines (Richards et al. 2015 PMID: 25741868, with internal and published modifications).

Labcorp Genetics (formerly Invitae), Labcorp
Classification: Likely benign for Cholestanol storage disease. Last evaluated: 2023-09-08. Review status: criteria provided, single submitter. Criteria: Invitae Variant Classification Sherloc (09022015). Collection method: clinical testing. Allele origin: germline.

NM_000784.4(CYP27A1):c.446+9G>T

Gene: CYP27A1 (cytochrome P450 family 27 subfamily A member 1; plus strand). Cytogenetic location: 2q35.
Variant type: single nucleotide variant.
Coding change: c.446+9G>T on transcript NM_000784.4 (MANE Select); 9 bases into the intron after coding-DNA position 446, G replaced by T.
Molecular consequence: intron variant.
Genome position (GRCh38, 1-based): chr2:218,809,776, G>T. VCF-style: chr2-218809776-G-T. GRCh37 (hg19) VCF-style: chr2-219674499-G-T.
Other names: c.446+9G>T (NM_000784.3).
Identifiers: ClinVar variation 2908385 (VCV002908385.4), dbSNP rs1323849927, ClinGen allele CA764916258.
Genomic context (GRCh38, chr2:218,809,776, plus strand): 5'-TATGGAAGGAGCACCGGGACCAGCACGACCTGACCTATGGGCCGTTCACCACGTGAGCTG[G>T]GGCCTGAAGGGACTGGAACAGGGCCCCAGAGGGCCAGGGCGAAAGACAGTGGGCACAGGG-3'